The following is an entry in ClinVar:

ClinVar aggregate classification (germline): Uncertain significance (1 of 4 stars; one submission).

Allele frequency attached by ClinVar (database versions not stated): TOPMed 0.00001; ESP Exome Variant Server 0.00008.
gnomAD v4.1: 47 of 1,613,630 alleles (0.0029%); highest among the groups gnomAD compares: South Asian, 0.0044%; 1 homozygote.

Submission:

Labcorp Genetics (formerly Invitae), Labcorp
Classification: Uncertain significance. Last evaluated: 2025-11-24. Review status: criteria provided, single submitter. Criteria: Invitae Variant Classification Sherloc (09022015). Collection method: clinical testing. Allele origin: germline.
Comment: This sequence change replaces tyrosine, which is neutral and polar, with cysteine, which is neutral and slightly polar, at codon 1152 of the CCDC88A protein (p.Tyr1152Cys). This variant is present in population databases (rs142752361, gnomAD 0.005%). This variant has not been reported in the literature in individuals affected with CCDC88A-related conditions. ClinVar contains an entry for this variant (Variation ID: 1468665). An algorithm developed to predict the effect of missense changes on protein structure and function (PolyPhen-2) suggests that this variant is likely to be disruptive. In summary, the available evidence is currently insufficient to determine the role of this variant in disease. Therefore, it has been classified as a Variant of Uncertain Significance.

NM_001365480.1(CCDC88A):c.3458A>G (p.Tyr1153Cys)

Gene: CCDC88A (coiled-coil and HOOK domain protein 88A; minus strand). Cytogenetic location: 2p16.1.
Variant type: single nucleotide variant.
Coding change: c.3458A>G on transcript NM_001365480.1 (MANE Select); coding-DNA position 3458, A replaced by G.
Protein change: p.Tyr1153Cys; replaces tyrosine 1153 with cysteine.
Molecular consequence: missense variant.
Genome position (GRCh38, 1-based): chr2:55,317,708, T>C on the plus strand (A>G on the coding strand, the complement: CCDC88A is on the minus strand). VCF-style: chr2-55317708-T-C. GRCh37 (hg19) VCF-style: chr2-55544844-T-C.
Other names: c.3455A>G, p.Tyr1152Cys (NM_001135597.2, NM_001254943.2); c.3458A>G, p.Tyr1153Cys (NM_018084.5); short protein forms Y1153C, Y1152C.
Identifiers: ClinVar variation 1468665 (VCV001468665.7), dbSNP rs142752361, ClinGen allele CA1665759.